The following is an entry in ClinVar:

ClinVar aggregate classification (germline): Pathogenic (1 of 4 stars; one submission).

Conditions:
Granulomatous disease, chronic, X-linked. Also called: CYTOCHROME b-NEGATIVE GRANULOMATOUS DISEASE, CHRONIC, X-LINKED; GRANULOMATOUS DISEASE, CHRONIC, X-LINKED, SOMATIC MOSAIC. Identifiers: Orphanet 379, MedGen C1844376, MONDO:0010600, OMIM 306400.

Submission:

Labcorp Genetics (formerly Invitae), Labcorp
Classification: Pathogenic for Granulomatous disease, chronic, X-linked. Last evaluated: 2021-12-30. Review status: criteria provided, single submitter. Criteria: Invitae Variant Classification Sherloc (09022015). Collection method: clinical testing. Allele origin: germline.
Comment: This premature translational stop signal has been observed in individual(s) with chronic granulomatous disease (PMID: 9585602, 17576211, 18546332, 29560547). This variant is not present in population databases (gnomAD no frequency). This sequence change creates a premature translational stop signal (p.Gln246*) in the CYBB gene. It is expected to result in an absent or disrupted protein product. Loss-of-function variants in CYBB are known to be pathogenic (PMID: 9585602, 20729109). For these reasons, this variant has been classified as Pathogenic.

Literature cited by the submitters: PubMed 9585602; PubMed 17576211; PubMed 18546332; PubMed 29560547; PubMed 20729109.

NM_000397.4(CYBB):c.736C>T (p.Gln246Ter)

Gene: CYBB (cytochrome b-245 beta chain; plus strand). Cytogenetic location: Xp21.1.
Variant type: single nucleotide variant.
Coding change: c.736C>T on transcript NM_000397.4 (MANE Select); coding-DNA position 736, C replaced by T.
Protein change: p.Gln246Ter; replaces glutamine 246 with a stop codon.
Molecular consequence: nonsense.
Genome position (GRCh38, 1-based): chrX:37,799,016, C>T. VCF-style: chrX-37799016-C-T. GRCh37 (hg19) VCF-style: chrX-37658269-C-T.
Other names: short protein forms Q246*.
Identifiers: ClinVar variation 1367779 (VCV001367779.6), dbSNP rs782756433, ClinGen allele CA412976597.